The following is an entry in ClinVar:

NM_016653.3(MAP3K20):c.1148A>G (p.Glu383Gly)

Genes: MAP3K20 (mitogen-activated protein kinase kinase kinase 20; plus strand), MAP3K20-AS1 (MAP3K20 antisense RNA 1; minus strand). Cytogenetic location: 2q31.1.
Variant type: single nucleotide variant.
Coding change: c.1148A>G on transcript NM_016653.3 (MANE Select); coding-DNA position 1148, A replaced by G.
Protein change: p.Glu383Gly; replaces glutamic acid 383 with glycine.
Molecular consequence: missense variant.
Genome position (GRCh38, 1-based): chr2:173,232,404, A>G. VCF-style: chr2-173232404-A-G. GRCh37 (hg19) VCF-style: chr2-174097132-A-G.
Other names: short protein forms E383G.
Identifiers: ClinVar variation 2879478 (VCV002879478.3), dbSNP rs1684543703, ClinGen allele CA349315630.

ClinVar aggregate classification (germline): Uncertain significance (1 of 4 stars; one submission).

Allele frequency attached by ClinVar (database versions not stated): gnomAD exomes below 0.00001; gnomAD 0.00001.
gnomAD v4.1: 6 of 1,614,110 alleles (0.00037%); highest among the groups gnomAD compares: South Asian, 0.0066%; no homozygotes.

Submission:

Labcorp Genetics (formerly Invitae), Labcorp
Classification: Uncertain significance. Last evaluated: 2023-03-18. Review status: criteria provided, single submitter. Criteria: Invitae Variant Classification Sherloc (09022015). Collection method: clinical testing. Allele origin: germline.
Comment: In summary, the available evidence is currently insufficient to determine the role of this variant in disease. Therefore, it has been classified as a Variant of Uncertain Significance. Advanced modeling of protein sequence and biophysical properties (such as structural, functional, and spatial information, amino acid conservation, physicochemical variation, residue mobility, and thermodynamic stability) performed at Invitae indicates that this missense variant is not expected to disrupt MAP3K20 protein function. This variant has not been reported in the literature in individuals affected with MAP3K20-related conditions. This variant is not present in population databases (gnomAD no frequency). This sequence change replaces glutamic acid, which is acidic and polar, with glycine, which is neutral and non-polar, at codon 383 of the MAP3K20 protein (p.Glu383Gly).